The following is an entry in ClinVar:

ClinVar aggregate classification (germline): Pathogenic (1 of 4 stars; one submission).

Submission:

GeneDx
Classification: Pathogenic. Last evaluated: 2025-05-09. Review status: criteria provided, single submitter. Criteria: GeneDx Variant Classification Process June 2021. Collection method: clinical testing. Allele origin: germline. Affected: yes.
Comment: Nonsense variant predicted to result in protein truncation or nonsense mediated decay in a gene for which loss of function is a known mechanism of disease; Not observed at significant frequency in large population cohorts (gnomAD); Has not been previously published as pathogenic or benign to our knowledge

NM_004247.4(EFTUD2):c.446T>G (p.Leu149Ter)

Gene: EFTUD2 (elongation factor Tu GTP binding domain containing 2; minus strand). Cytogenetic location: 17q21.31.
Variant type: single nucleotide variant.
Coding change: c.446T>G on transcript NM_004247.4 (MANE Select); coding-DNA position 446, T replaced by G.
Protein change: p.Leu149Ter; replaces leucine 149 with a stop codon.
Molecular consequence: nonsense. On other transcripts: intron variant (1).
Genome position (GRCh38, 1-based): chr17:44,883,139, A>C on the plus strand (T>G on the coding strand, the complement: EFTUD2 is on the minus strand). VCF-style: chr17-44883139-A-C. GRCh37 (hg19) VCF-style: chr17-42960507-A-C.
Other names: c.341T>G, p.Leu114Ter (NM_001142605.2); c.446T>G, p.Leu149Ter (NM_001258353.2); c.427-11T>G (NM_001258354.2); short protein forms L114*, L149*.
Identifiers: ClinVar variation 4529681 (VCV004529681.1).